The following is an entry in ClinVar:

NM_024675.4(PALB2):c.2335T>G (p.Ser779Ala)

Gene: PALB2 (partner and localizer of BRCA2; minus strand). Cytogenetic location: 16p12.2.
Variant type: single nucleotide variant.
Coding change: c.2335T>G on transcript NM_024675.4 (MANE Select); coding-DNA position 2335, T replaced by G.
Protein change: p.Ser779Ala; replaces serine 779 with alanine.
Molecular consequence: missense variant.
Genome position (GRCh38, 1-based): chr16:23,629,819, A>C on the plus strand (T>G on the coding strand, the complement: PALB2 is on the minus strand). VCF-style: chr16-23629819-A-C. GRCh37 (hg19) VCF-style: chr16-23641140-A-C.
Other names: short protein forms S779A.
Identifiers: ClinVar variation 419096 (VCV000419096.11), dbSNP rs1064793640, ClinGen allele CA16620135.

ClinVar aggregate classification (germline): Uncertain significance. Review status: criteria provided, multiple submitters, no conflicts (2 of 4 stars). 2 submissions from 2 submitters: Uncertain significance (2). Last evaluated 2023-10-23.

Conditions:
Familial cancer of breast. Also called: Hereditary breast cancer; BREAST CANCER, FAMILIAL; hereditary breast carcinoma. Identifiers: Orphanet 227535, MedGen C0346153, MONDO:0016419, OMIM 114480. Disease mechanism: loss of function.

Submissions (2):

Labcorp Genetics (formerly Invitae), Labcorp
Classification: Uncertain significance for Familial cancer of breast. Last evaluated: 2023-10-23. Review status: criteria provided, single submitter. Criteria: Invitae Variant Classification Sherloc (09022015). Collection method: clinical testing. Allele origin: germline.
Comment: This sequence change replaces serine, which is neutral and polar, with alanine, which is neutral and non-polar, at codon 779 of the PALB2 protein (p.Ser779Ala). This variant is not present in population databases (gnomAD no frequency). This variant has not been reported in the literature in individuals affected with PALB2-related conditions. ClinVar contains an entry for this variant (Variation ID: 419096). Advanced modeling of protein sequence and biophysical properties (such as structural, functional, and spatial information, amino acid conservation, physicochemical variation, residue mobility, and thermodynamic stability) performed at Invitae indicates that this missense variant is not expected to disrupt PALB2 protein function. In summary, the available evidence is currently insufficient to determine the role of this variant in disease. Therefore, it has been classified as a Variant of Uncertain Significance.

GeneDx
Classification: Uncertain significance. Last evaluated: 2015-05-26. Review status: criteria provided, single submitter. Criteria: GeneDx Variant Classification (06012015). Collection method: clinical testing. Allele origin: germline. Affected: yes.
Comment: This variant is denoted PALB2 c.2335T>G at the cDNA level, p.Ser779Ala (S779A) at the protein level, and results in the change of a Serine to an Alanine (TCA>GCA). This variant has not, to our knowledge, been published in the literature as pathogenic or benign. PALB2 Ser779Ala was not observed in approximately 6,500 individuals of European and African American ancestry in the NHLBI Exome Sequencing Project, indicating it is not a common benign variant in these populations. Since Serine and Alanine differ in polarity, charge, size or other properties, this is considered a non-conservative amino acid substitution. PALB2 Ser779Ala occurs at a position that is not conserved and is located in the region required for interaction with POLH and stimulation of POLH DNA synthesis (UniProt). In silico analyses predict that this variant is unlikely to alter protein structure or function. Based on currently available information, it is unclear whether PALB2 Ser779Ala is pathogenic or benign. We consider it to be a variant of uncertain significance.